The following is an entry in ClinVar:

NM_152732.5(RSPH9):c.1A>T (p.Met1Leu)

Gene: RSPH9 (radial spoke head component 9; plus strand). Cytogenetic location: 6p21.1.
Variant type: single nucleotide variant.
Coding change: c.1A>T on transcript NM_152732.5 (MANE Select); coding-DNA position 1, A replaced by T.
Protein change: p.Met1Leu; changes the start codon (methionine 1).
Molecular consequence: missense variant, initiator codon variant. On other transcripts: non-coding transcript variant (2).
Genome position (GRCh38, 1-based): chr6:43,645,099, A>T. VCF-style: chr6-43645099-A-T. GRCh37 (hg19) VCF-style: chr6-43612836-A-T.
Other names: c.1A>T, p.Met1Leu (NM_001193341.2, NM_001424119.1, NM_001424120.1 and 1 more transcripts); short protein forms M1L.
Identifiers: ClinVar variation 2887444 (VCV002887444.3), dbSNP rs775745422, ClinGen allele CA3828186.
Genomic context (GRCh38, chr6:43,645,099, plus strand): 5'-TCTCCATGGAGGCGGCTTCTCCTAGCAACTCGACGGGCGTTGAGCGGAGCCGCTGACCTG[A>T]TGGACGCCGACAGCCTCCTGCTGTCTCTGGAGCTGGCGTCCGGCAGTGGGCAGGGCCTCA-3'
Protein context (NP_689945.2, residues 1-11): [Met1Leu]DADSLLLSLE

ClinVar aggregate classification (germline): Pathogenic (1 of 4 stars; one submission).

Conditions:
Primary ciliary dyskinesia. Also called: Ciliary dyskinesia. Identifiers: Orphanet 244, MedGen C0008780, MONDO:0016575, HP:0012265.

Allele frequency attached by ClinVar (database versions not stated): ExAC 0.00002; TOPMed 0.00002; gnomAD 0.00003.

Submission:

Labcorp Genetics (formerly Invitae), Labcorp
Classification: Pathogenic for Primary ciliary dyskinesia. Last evaluated: 2023-12-09. Review status: criteria provided, single submitter. Criteria: Invitae Variant Classification Sherloc (09022015). Collection method: clinical testing. Allele origin: germline.
Comment: This sequence change affects the initiator methionine of the RSPH9 mRNA. The next in-frame methionine is located at codon 33. This variant is present in population databases (rs775745422, gnomAD 0.02%). Disruption of the initiator codon has been observed in individual(s) with primary ciliary dyskinesia (PMID: 23993197, 25789548; Invitae). For these reasons, this variant has been classified as Pathogenic.

Literature cited by the submitters: PubMed 23993197; PubMed 25789548.